The following is an entry in ClinVar:

ClinVar aggregate classification (germline): Likely benign. Review status: criteria provided, multiple submitters, no conflicts (2 of 4 stars). 2 submissions from 2 submitters: Likely benign (2). Last evaluated 2026-06-01.

Conditions:
Inborn genetic diseases. Identifiers: MedGen C0950123, MeSH D030342.

Submissions (2):

CeGaT Center for Human Genetics Tuebingen
Classification: Likely benign. Last evaluated: 2026-06-01. Review status: criteria provided, single submitter. Criteria: CeGaT Center For Human Genetics Tuebingen Variant Classification Criteria Version 2. Collection method: clinical testing. Allele origin: germline. Affected: yes. Observed: 1 variant allele.
Comment: SRRM2: BS2

Ambry Genetics
Classification: Likely benign for Inborn genetic diseases. Last evaluated: 2025-06-09. Review status: criteria provided, single submitter. Criteria: Ambry Variant Classification Scheme 2023. Collection method: clinical testing. Allele origin: germline.

NM_016333.4(SRRM2):c.5308C>G (p.Leu1770Val)

Gene: SRRM2 (serine/arginine repetitive matrix 2; plus strand). Cytogenetic location: 16p13.3.
Variant type: single nucleotide variant.
Coding change: c.5308C>G on transcript NM_016333.4 (MANE Select); coding-DNA position 5308, C replaced by G.
Protein change: p.Leu1770Val; replaces leucine 1770 with valine.
Molecular consequence: missense variant.
Genome position (GRCh38, 1-based): chr16:2,765,836, C>G. VCF-style: chr16-2765836-C-G. GRCh37 (hg19) VCF-style: chr16-2815837-C-G.
Other names: short protein forms L1770V.
Identifiers: ClinVar variation 3962237 (VCV003962237.3).